The following is an entry in ClinVar:

NM_000057.4(BLM):c.517C>A (p.Pro173Thr)

Gene: BLM (BLM RecQ like helicase; plus strand). Cytogenetic location: 15q26.1.
Variant type: single nucleotide variant.
Coding change: c.517C>A on transcript NM_000057.4 (MANE Select); coding-DNA position 517, C replaced by A.
Protein change: p.Pro173Thr; replaces proline 173 with threonine.
Molecular consequence: missense variant. On other transcripts: 5 prime UTR variant (1).
Genome position (GRCh38, 1-based): chr15:90,749,785, C>A. VCF-style: chr15-90749785-C-A. GRCh37 (hg19) VCF-style: chr15-91293015-C-A.
Other names: c.517C>A, p.Pro173Thr (NM_001287246.2, NM_001287247.2); c.-775C>A (NM_001287248.2); short protein forms P173T.
Identifiers: ClinVar variation 1009103 (VCV001009103.12), dbSNP rs1458936595, ClinGen allele CA393840957.

ClinVar aggregate classification (germline): Uncertain significance. Review status: criteria provided, multiple submitters, no conflicts (2 of 4 stars). 2 submissions from 2 submitters: Uncertain significance (2). Last evaluated 2024-08-02.

Conditions:
Bloom syndrome (BLM). Also called: Bloom-Torre-Machacek syndrome. Identifiers: Orphanet 125, MedGen C0005859, MONDO:0008876, OMIM 210900.
Hereditary cancer-predisposing syndrome. Also called: Tumor predisposition; Hereditary neoplastic syndrome; Neoplastic Syndromes, Hereditary; Hereditary Cancer Syndrome. Identifiers: Orphanet 140162, MedGen C0027672, MeSH D009386, MONDO:0015356.

Submissions (2):

Ambry Genetics
Classification: Uncertain significance for Hereditary cancer-predisposing syndrome. Last evaluated: 2024-08-02. Review status: criteria provided, single submitter. Criteria: Ambry Variant Classification Scheme 2023. Collection method: clinical testing. Allele origin: germline.
Comment: The p.P173T variant (also known as c.517C>A), located in coding exon 2 of the BLM gene, results from a C to A substitution at nucleotide position 517. The proline at codon 173 is replaced by threonine, an amino acid with highly similar properties. This amino acid position is poorly conserved in available vertebrate species. In addition, this alteration is predicted to be tolerated by in silico analysis. Since supporting evidence is limited at this time, the clinical significance of this alteration remains unclear.

Labcorp Genetics (formerly Invitae), Labcorp
Classification: Uncertain significance for Bloom syndrome. Last evaluated: 2023-03-16. Review status: criteria provided, single submitter. Criteria: Invitae Variant Classification Sherloc (09022015). Collection method: clinical testing. Allele origin: germline.
Comment: This variant has not been reported in the literature in individuals affected with BLM-related conditions. This variant is not present in population databases (gnomAD no frequency). This sequence change replaces proline, which is neutral and non-polar, with threonine, which is neutral and polar, at codon 173 of the BLM protein (p.Pro173Thr). In summary, the available evidence is currently insufficient to determine the role of this variant in disease. Therefore, it has been classified as a Variant of Uncertain Significance. Algorithms developed to predict the effect of missense changes on protein structure and function output the following: SIFT: "Not Available"; PolyPhen-2: "Benign"; Align-GVGD: "Not Available". The threonine amino acid residue is found in multiple mammalian species, which suggests that this missense change does not adversely affect protein function. ClinVar contains an entry for this variant (Variation ID: 1009103).